The following is an entry in ClinVar:

NM_001101362.3(KBTBD13):c.397G>A (p.Glu133Lys)

Gene: KBTBD13 (kelch repeat and BTB domain containing 13; plus strand). Cytogenetic location: 15q22.31.
Variant type: single nucleotide variant.
Coding change: c.397G>A on transcript NM_001101362.3 (MANE Select); coding-DNA position 397, G replaced by A.
Protein change: p.Glu133Lys; replaces glutamic acid 133 with lysine.
Molecular consequence: missense variant.
Genome position (GRCh38, 1-based): chr15:65,077,212, G>A. VCF-style: chr15-65077212-G-A. GRCh37 (hg19) VCF-style: chr15-65369550-G-A.
Other names: short protein forms E133K.
Identifiers: ClinVar variation 845225 (VCV000845225.9), dbSNP rs192935606, ClinGen allele CA392860472.
Genomic context (GRCh38, chr15:65,077,212, plus strand): 5'-GCCGCCGCCTTCGGCCTGCGCGACGTGTTCCACAGTGCCGCGCTCTTCATCTGCGACGGC[G>A]AGCGCGAGCTGGCGGCCGAACTGGCGCTGCCTGAGGCCCGCGCCTACGTGGCGGCCCTGC-3'
Protein context (NP_001094832.1, residues 123-143): HSAALFICDG[Glu133Lys]RELAAELALP

ClinVar aggregate classification (germline): Uncertain significance (1 of 4 stars; one submission).

Conditions:
Nemaline myopathy 6 (NEM6). Also called: Nemaline myopathy 6, autosomal dominant. Identifiers: Orphanet 171439, MedGen C1836472, MONDO:0012237, OMIM 609273.

gnomAD v4.1: 15 of 1,448,058 alleles (0.001%); highest among the groups gnomAD compares: African/African-American, 0.0045%; no homozygotes.

Submission:

Labcorp Genetics (formerly Invitae), Labcorp
Classification: Uncertain significance for Nemaline myopathy 6. Last evaluated: 2024-10-29. Review status: criteria provided, single submitter. Criteria: Invitae Variant Classification Sherloc (09022015). Collection method: clinical testing. Allele origin: germline.
Comment: This sequence change replaces glutamic acid, which is acidic and polar, with lysine, which is basic and polar, at codon 133 of the KBTBD13 protein (p.Glu133Lys). This variant is not present in population databases (gnomAD no frequency). This variant has not been reported in the literature in individuals affected with KBTBD13-related conditions. ClinVar contains an entry for this variant (Variation ID: 845225). Invitae Evidence Modeling of protein sequence and biophysical properties (such as structural, functional, and spatial information, amino acid conservation, physicochemical variation, residue mobility, and thermodynamic stability) indicates that this missense variant is not expected to disrupt KBTBD13 protein function with a negative predictive value of 80%. In summary, the available evidence is currently insufficient to determine the role of this variant in disease. Therefore, it has been classified as a Variant of Uncertain Significance.